The following is an entry in ClinVar:

NM_018896.5(CACNA1G):c.3139C>A (p.Pro1047Thr)

Gene: CACNA1G (calcium voltage-gated channel subunit alpha1 G; plus strand). Cytogenetic location: 17q21.33.
Variant type: single nucleotide variant.
Coding change: c.3139C>A on transcript NM_018896.5 (MANE Select); coding-DNA position 3139, C replaced by A.
Protein change: p.Pro1047Thr; replaces proline 1047 with threonine.
Molecular consequence: missense variant. On other transcripts: non-coding transcript variant (5).
Genome position (GRCh38, 1-based): chr17:50,596,804, C>A. VCF-style: chr17-50596804-C-A. GRCh37 (hg19) VCF-style: chr17-48674165-C-A.
Other names: c.3139C>A, p.Pro1047Thr (NM_001256324.2, NM_001256325.2, NM_001256326.2 and 16 more transcripts); c.3070C>A, p.Pro1024Thr (NM_001256332.2, NM_198376.3, NM_198379.3 and 5 more transcripts); short protein forms P1024T, P1047T.
Identifiers: ClinVar variation 1801069 (VCV001801069.1), dbSNP rs2545362203, ClinGen allele CA400252194.

ClinVar aggregate classification (germline): Uncertain significance (1 of 4 stars; one submission).

Submission:

GeneDx
Classification: Uncertain significance. Last evaluated: 2022-05-24. Review status: criteria provided, single submitter. Criteria: GeneDx Variant Classification Process June 2021. Collection method: clinical testing. Allele origin: germline. Affected: yes.
Comment: Not observed at significant frequency in large population cohorts (gnomAD); In silico analysis supports that this missense variant has a deleterious effect on protein structure/function; Has not been previously published as pathogenic or benign to our knowledge